The following is an entry in ClinVar:

NM_020166.5(MCCC1):c.1288T>G (p.Tyr430Asp)

Gene: MCCC1 (methylcrotonyl-CoA carboxylase subunit 1; minus strand). Cytogenetic location: 3q27.1.
Variant type: single nucleotide variant.
Coding change: c.1288T>G on transcript NM_020166.5 (MANE Select); coding-DNA position 1288, T replaced by G.
Protein change: p.Tyr430Asp; replaces tyrosine 430 with aspartic acid.
Molecular consequence: missense variant. On other transcripts: non-coding transcript variant (2).
Genome position (GRCh38, 1-based): chr3:183,039,115, A>C on the plus strand (T>G on the coding strand, the complement: MCCC1 is on the minus strand). VCF-style: chr3-183039115-A-C. GRCh37 (hg19) VCF-style: chr3-182756903-A-C.
Other names: c.937T>G, p.Tyr313Asp (NM_001293273.2); c.961T>G, p.Tyr321Asp (NM_001363880.1); short protein forms Y321D, Y313D, Y430D.
Identifiers: ClinVar variation 1486643 (VCV001486643.6), dbSNP rs2108474014, ClinGen allele CA355322038.

ClinVar aggregate classification (germline): Uncertain significance (1 of 4 stars; one submission).

Conditions:
3-methylcrotonyl-CoA carboxylase 1 deficiency (MCC1D). Also called: MCCD TYPE 1; METHYLCROTONYLGLYCINURIA TYPE I; MCC 1 deficiency; 3 Alpha methylcrotonylglycinuria 1. Identifiers: Orphanet 6, MedGen CN028786, MONDO:0008861, OMIM 210200.

Submission:

Labcorp Genetics (formerly Invitae), Labcorp
Classification: Uncertain significance for 3-methylcrotonyl-CoA carboxylase 1 deficiency. Last evaluated: 2023-03-31. Review status: criteria provided, single submitter. Criteria: Invitae Variant Classification Sherloc (09022015). Collection method: clinical testing. Allele origin: germline.
Comment: In summary, the available evidence is currently insufficient to determine the role of this variant in disease. Therefore, it has been classified as a Variant of Uncertain Significance. Advanced modeling of protein sequence and biophysical properties (such as structural, functional, and spatial information, amino acid conservation, physicochemical variation, residue mobility, and thermodynamic stability) performed at Invitae indicates that this missense variant is expected to disrupt MCCC1 protein function. ClinVar contains an entry for this variant (Variation ID: 1486643). This variant has not been reported in the literature in individuals affected with MCCC1-related conditions. This variant is not present in population databases (gnomAD no frequency). This sequence change replaces tyrosine, which is neutral and polar, with aspartic acid, which is acidic and polar, at codon 430 of the MCCC1 protein (p.Tyr430Asp).